The following is an entry in ClinVar:

NM_001042492.3(NF1):c.4793C>A (p.Thr1598Asn)

Gene: NF1 (neurofibromin 1; plus strand). Cytogenetic location: 17q11.2.
Variant type: single nucleotide variant.
Coding change: c.4793C>A on transcript NM_001042492.3 (MANE Select); coding-DNA position 4793, C replaced by A.
Protein change: p.Thr1598Asn; replaces threonine 1598 with asparagine.
Molecular consequence: missense variant.
Genome position (GRCh38, 1-based): chr17:31,265,297, C>A. VCF-style: chr17-31265297-C-A. GRCh37 (hg19) VCF-style: chr17-29592315-C-A.
Other names: c.4730C>A, p.Thr1577Asn (NM_000267.4); short protein forms T1577N, T1598N.
Identifiers: ClinVar variation 457717 (VCV000457717.13), dbSNP rs753453385, ClinGen allele CA8486475.
Genomic context (GRCh38, chr17:31,265,297, plus strand): 5'-TACATGAAAAAGAAGAATTCAAGGCTTTGAAAACGTTAAGTATTTTCTACCAAGCTGGGA[C>A]TTCCAAAGCTGGGAATCCTATTTTTTATTATGTTGCACGGAGGTAAGAAATACTATGTTT-3'
Protein context (NP_001035957.1, residues 1588-1608): KTLSIFYQAG[Thr1598Asn]SKAGNPIFYY

ClinVar aggregate classification (germline): Uncertain significance. Review status: criteria provided, multiple submitters, no conflicts (2 of 4 stars). 4 submissions from 4 submitters: Uncertain significance (4). Last evaluated 2025-12-02.

Conditions:
Neurofibromatosis, type 1 (NF1). Also called: VON RECKLINGHAUSEN DISEASE; NEUROFIBROMATOSIS, TYPE I, SOMATIC; Peripheral type neurofibromatosis; Neurofibromatosis, type I. Identifiers: Orphanet 636, MedGen C0027831, MONDO:0018975, OMIM 162200. Disease mechanism: loss of function.
Cardiovascular phenotype. Identifiers: MedGen CN230736.
Hereditary cancer-predisposing syndrome. Also called: Hereditary Cancer Syndrome; Hereditary neoplastic syndrome; Tumor predisposition; Neoplastic Syndromes, Hereditary. Identifiers: Orphanet 140162, MedGen C0027672, MeSH D009386, MONDO:0015356.

Allele frequency attached by ClinVar (database versions not stated): gnomAD exomes below 0.00001; ExAC 0.00001; gnomAD 0.00001; TOPMed 0.00001.

Submissions (4):

Labcorp Genetics (formerly Invitae), Labcorp
Classification: Uncertain significance for Neurofibromatosis, type 1. Last evaluated: 2025-12-02. Review status: criteria provided, single submitter. Criteria: Invitae Variant Classification Sherloc (09022015). Collection method: clinical testing. Allele origin: germline.
Comment: This sequence change replaces threonine, which is neutral and polar, with asparagine, which is neutral and polar, at codon 1577 of the NF1 protein (p.Thr1577Asn). This variant is present in population databases (rs753453385, gnomAD 0.007%). This variant has not been reported in the literature in individuals affected with NF1-related conditions. ClinVar contains an entry for this variant (Variation ID: 457717). Invitae Evidence Modeling of protein sequence and biophysical properties (such as structural, functional, and spatial information, amino acid conservation, physicochemical variation, residue mobility, and thermodynamic stability) indicates that this missense variant is expected to disrupt NF1 protein function with a positive predictive value of 80%. In summary, the available evidence is currently insufficient to determine the role of this variant in disease. Therefore, it has been classified as a Variant of Uncertain Significance.

Ambry Genetics
Classification: Uncertain significance for Cardiovascular phenotype; Hereditary cancer-predisposing syndrome. Last evaluated: 2025-07-25. Review status: criteria provided, single submitter. Criteria: Ambry Variant Classification Scheme 2023. Collection method: clinical testing. Allele origin: germline.
Comment: The p.T1577N variant (also known as c.4730C>A), located in coding exon 35 of the NF1 gene, results from a C to A substitution at nucleotide position 4730. The threonine at codon 1577 is replaced by asparagine, an amino acid with similar properties. This amino acid position is highly conserved in available vertebrate species. In addition, the in silico prediction for this alteration is inconclusive. Based on the available evidence, the clinical significance of this variant remains unclear.

GeneDx
Classification: Uncertain significance. Last evaluated: 2023-10-16. Review status: criteria provided, single submitter. Criteria: GeneDx Variant Classification Process June 2021. Collection method: clinical testing. Allele origin: germline. Affected: yes.
Comment: In silico analysis supports that this missense variant has a deleterious effect on protein structure/function; Has not been previously published as pathogenic or benign to our knowledge

Genome-Nilou Lab
Classification: Uncertain significance for Neurofibromatosis, type 1. Last evaluated: 2022-03-15. Review status: criteria provided, single submitter. Criteria: ACMG Guidelines, 2015. Collection method: clinical testing. Allele origin: germline. Affected: no.